The following is an entry in ClinVar:

NM_024649.5(BBS1):c.1111-2A>G

Genes: BBS1 (Bardet-Biedl syndrome 1; plus strand), ZDHHC24 (zDHHC palmitoyltransferase 24; minus strand). Cytogenetic location: 11q13.2.
Variant type: single nucleotide variant.
Coding change: c.1111-2A>G on transcript NM_024649.5 (MANE Select); the canonical splice acceptor site of the intron before coding-DNA position 1111, A replaced by G.
Molecular consequence: splice acceptor variant. On other transcripts: intron variant (1).
Genome position (GRCh38, 1-based): chr11:66,526,121, A>G. VCF-style: chr11-66526121-A-G. GRCh37 (hg19) VCF-style: chr11-66293592-A-G.
Other names: c.*21+815T>C (NM_001348571.2).
Identifiers: ClinVar variation 834889 (VCV000834889.50), dbSNP rs761969357, ClinGen allele CA381422083.

ClinVar aggregate classification (germline): Likely pathogenic. Review status: criteria provided, multiple submitters, no conflicts (2 of 4 stars). 5 submissions from 5 submitters: Likely pathogenic (5). Last evaluated 2026-08-18.

Conditions:
Bardet-Biedl syndrome (BBS). Identifiers: Orphanet 110, MedGen C0752166, MONDO:0015229.
Bardet-Biedl syndrome 1 (BBS1). Identifiers: MedGen C2936862, MONDO:0008854, OMIM 209900. Disease mechanism: loss of function.
BBS1-related disorder. Also called: BBS1-related condition.

Allele frequency attached by ClinVar (database versions not stated): TOPMed 0.00001; gnomAD 0.00001.
gnomAD v4.1: 3 of 1,614,006 alleles (0.00019%); highest among the groups gnomAD compares: African/African-American, 0.0027%; no homozygotes.

Submissions (5):

PreventionGenetics, part of Exact Sciences
Classification: Likely pathogenic for BBS1-related condition. Last evaluated: 2026-08-18. Review status: criteria provided, single submitter. Criteria: ACMG Guidelines, 2015. Collection method: clinical testing. Allele origin: germline.
Comment: The BBS1 c.1111-2A>G variant is predicted to disrupt the AG splice acceptor site and interfere with normal splicing. To our knowledge, this variant has not been reported in individuals with BBS1-related disease. This variant is reported in 0.011% of alleles in individuals of African descent in gnomAD. Variants that disrupt the consensus splice acceptor site in BBS1 are expected to be pathogenic. This variant is interpreted as likely pathogenic.

Natera, Inc.
Classification: Likely pathogenic for Bardet-Biedl syndrome type 1. Last evaluated: 2024-07-20. Review status: criteria provided, single submitter. Criteria: Natera Variant Classification Schema (03/2026). Collection method: clinical testing. Allele origin: germline.
Comment: The c.1111-2A>G variant in BBS1 is a canonical splice acceptor site variant predicted to affect pre-mRNA splicing, which may result in an abnormal transcript and altered protein product. This variant is expected to result in nonsense mediated decay, truncation, or a dysfunctional protein product. This variant is rare in the general population with a frequency below the threshold expected for the associated phenotype(s). Given the available evidence, this variant is classified as Likely Pathogenic.

Labcorp Genetics (formerly Invitae), Labcorp
Classification: Likely pathogenic for Bardet-Biedl syndrome. Last evaluated: 2024-02-09. Review status: criteria provided, single submitter. Criteria: Invitae Variant Classification Sherloc (09022015). Collection method: clinical testing. Allele origin: germline.
Comment: This sequence change affects an acceptor splice site in intron 11 of the BBS1 gene. It is expected to disrupt RNA splicing. Variants that disrupt the donor or acceptor splice site typically lead to a loss of protein function (PMID: 16199547), and loss-of-function variants in BBS1 are known to be pathogenic (PMID: 12118255, 21520335, 27032803). This variant is present in population databases (no rsID available, gnomAD 0.01%). This variant has not been reported in the literature in individuals affected with BBS1-related conditions. ClinVar contains an entry for this variant (Variation ID: 834889). Algorithms developed to predict the effect of sequence changes on RNA splicing suggest that this variant may disrupt the consensus splice site. In summary, the currently available evidence indicates that the variant is pathogenic, but additional data are needed to prove that conclusively. Therefore, this variant has been classified as Likely Pathogenic.

Baylor Genetics
Classification: Likely pathogenic for Bardet-Biedl syndrome 1. Last evaluated: 2023-10-10. Review status: criteria provided, single submitter. Criteria: ACMG Guidelines, 2015. Collection method: clinical testing. Allele origin: unknown.

Fulgent Genetics
Classification: Likely pathogenic for Bardet-Biedl syndrome 1. Last evaluated: 2022-03-30. Review status: criteria provided, single submitter. Criteria: ACMG Guidelines, 2015. Collection method: clinical testing. Allele origin: unknown.

Literature cited by the submitters: PubMed 16199547 (cited by Labcorp Genetics (formerly Invitae), Labcorp); PubMed 12118255 (cited by Labcorp Genetics (formerly Invitae), Labcorp); PubMed 21520335 (cited by Labcorp Genetics (formerly Invitae), Labcorp); PubMed 27032803 (cited by Labcorp Genetics (formerly Invitae), Labcorp).